The following is an entry in ClinVar:

NM_000334.4(SCN4A):c.4126A>G (p.Asn1376Asp)

Genes: GH-LCR (growth hormone locus control region; plus strand), SCN4A (sodium voltage-gated channel alpha subunit 4; minus strand). Cytogenetic location: 17q23.3.
Variant type: single nucleotide variant.
Coding change: c.4126A>G on transcript NM_000334.4 (MANE Select); coding-DNA position 4126, A replaced by G.
Protein change: p.Asn1376Asp; replaces asparagine 1376 with aspartic acid.
Molecular consequence: missense variant.
Genome position (GRCh38, 1-based): chr17:63,942,988, T>C on the plus strand (A>G on the coding strand, the complement: SCN4A is on the minus strand). VCF-style: chr17-63942988-T-C. GRCh37 (hg19) VCF-style: chr17-62020348-T-C.
Other names: short protein forms N1376D.
Identifiers: ClinVar variation 130236 (VCV000130236.25), dbSNP rs2058194, ClinGen allele CA155081.

ClinVar aggregate classification (germline): Benign. Review status: criteria provided, multiple submitters, no conflicts (2 of 4 stars). 14 submissions from 10 submitters: Benign (14). Last evaluated 2026-02-04.

Conditions:
Congenital myasthenic syndrome 16. Identifiers: Orphanet 590, MedGen C3280112, MONDO:0013620, OMIM 614198.
Paramyotonia congenita of Von Eulenburg. Also called: PARALYSIS PERIODICA PARAMYOTONICA; Eulenburg disease; Myotonia congenita intermittens; Von Eulenburg paramyotonia congenita; Paramyotonia Congenita. Identifiers: Orphanet 684, MedGen C0221055, MONDO:0008195, OMIM 168300. Disease mechanism: loss of function.
Potassium-aggravated myotonia. Also called: MYOTONIA CONGENITA, ACETAZOLAMIDE-RESPONSIVE; MYOTONIA CONGENITA, ATYPICAL; SODIUM CHANNEL MUSCLE DISEASE; Myotonia congenita, atypical, acetazolamide-responsive. Identifiers: Orphanet 612, Orphanet 99734, Orphanet 99735, Orphanet 99736, MedGen C2931826, MONDO:0018959, OMIM 608390.
Hyperkalemic periodic paralysis. Also called: Familial hyperkalemic periodic paralysis; Gamstorp disease. Identifiers: Orphanet 682, MedGen C0238357, MONDO:0008224, OMIM 170500, HP:0007215.
Hypokalemic periodic paralysis, type 2 (HOKPP2). Identifiers: Orphanet 681, MedGen C2750061, MONDO:0013234, OMIM 613345.

Allele frequency attached by ClinVar (database versions not stated): gnomAD exomes 0.52340; 1000 Genomes Project 30x 0.56309; TOPMed 0.59674; ESP Exome Variant Server 0.59934; ExAC 0.52369; 1000 Genomes Project 0.56150; gnomAD 0.58736 and 0.59717.
gnomAD v4.1: 861,406 of 1,613,618 alleles (53%); highest among the groups gnomAD compares: African/African-American, 74%; 233,301 homozygotes.

Submissions (14):

Labcorp Genetics (formerly Invitae), Labcorp
Classification: Benign for Hyperkalemic periodic paralysis. Last evaluated: 2026-02-04. Review status: criteria provided, single submitter. Criteria: Invitae Variant Classification Sherloc (09022015). Collection method: clinical testing. Allele origin: germline.

Blueprint Genetics
Classification: Benign. Last evaluated: 2024-11-28. Review status: criteria provided, single submitter. Criteria: ACMG Guidelines, 2015. Collection method: clinical testing. Allele origin: germline.

Athena Diagnostics
Classification: Benign. Last evaluated: 2021-03-25. Review status: criteria provided, single submitter. Criteria: Athena Diagnostics Criteria. Collection method: clinical testing. Allele origin: unknown.

Illumina Laboratory Services, Illumina
Classification: Benign for Hyperkalemic periodic paralysis. Last evaluated: 2018-01-13. Review status: criteria provided, single submitter. Criteria: ICSL Variant Classification Criteria 13 December 2019. Collection method: clinical testing. Allele origin: germline.
Comment: This variant was observed in the ICSL laboratory as part of a predisposition screen in an ostensibly healthy population. It had not been previously curated by ICSL or reported in the Human Gene Mutation Database (HGMD: prior to June 1st, 2018), and was therefore a candidate for classification through an automated scoring system. Utilizing variant allele frequency, disease prevalence and penetrance estimates, and inheritance mode, an automated score was calculated to assess if this variant is too frequent to cause the disease. Based on the score and internal cut-off values, a variant classified as benign is not then subjected to further curation. The score for this variant resulted in a classification of benign for this disease.

Illumina Laboratory Services, Illumina
Classification: Benign for Paramyotonia congenita of Von Eulenburg. Last evaluated: 2018-01-13. Review status: criteria provided, single submitter. Criteria: ICSL Variant Classification Criteria 13 December 2019. Collection method: clinical testing. Allele origin: germline.
Comment: the same text as in the submission from Illumina Laboratory Services, Illumina above.

Illumina Laboratory Services, Illumina
Classification: Benign for Congenital myasthenic syndrome 16. Last evaluated: 2018-01-13. Review status: criteria provided, single submitter. Criteria: ICSL Variant Classification Criteria 13 December 2019. Collection method: clinical testing. Allele origin: germline.
Comment: the same text as in the submission from Illumina Laboratory Services, Illumina above.

Illumina Laboratory Services, Illumina
Classification: Benign for Hypokalemic periodic paralysis, type 2. Last evaluated: 2018-01-13. Review status: criteria provided, single submitter. Criteria: ICSL Variant Classification Criteria 13 December 2019. Collection method: clinical testing. Allele origin: germline.
Comment: the same text as in the submission from Illumina Laboratory Services, Illumina above.

Illumina Laboratory Services, Illumina
Classification: Benign for Potassium-aggravated myotonia. Last evaluated: 2018-01-13. Review status: criteria provided, single submitter. Criteria: ICSL Variant Classification Criteria 13 December 2019. Collection method: clinical testing. Allele origin: germline.
Comment: the same text as in the submission from Illumina Laboratory Services, Illumina above.

Mayo Clinic Laboratories, Mayo Clinic
Classification: Benign. Last evaluated: 2017-07-18. Review status: criteria provided, single submitter. Criteria: ACMG Guidelines, 2015. Collection method: clinical testing. Allele origin: germline. Observed: 772 variant alleles.

GeneDx
Classification: Benign. Last evaluated: 2015-03-03. Review status: criteria provided, single submitter. Criteria: GeneDx Variant Classification Process June 2021. Collection method: clinical testing. Allele origin: germline. Affected: yes.

Eurofins Ntd Llc (ga)
Classification: Benign. Last evaluated: 2014-04-02. Review status: criteria provided, single submitter. Criteria: EGL Classification Definitions 2015. Collection method: clinical testing. Allele origin: germline. Observed: 1 variant allele, 1 homozygote.

Genetic Services Laboratory, University of Chicago
Classification: Benign for AllHighlyPenetrant. Last evaluated: 2013-08-15. Review status: criteria provided, single submitter. Criteria: ACMG Guidelines, 2007. Collection method: clinical testing. Allele origin: germline. Inheritance: Autosomal recessive inheritance.

Breakthrough Genomics
Classification: Benign. Review status: criteria provided, single submitter. Criteria: ACMG Guidelines, 2015. Collection method: not provided. Allele origin: germline. Inheritance: Autosomal recessive inheritance. Affected: yes.

PreventionGenetics, part of Exact Sciences
Classification: Benign. Review status: criteria provided, single submitter. Criteria: ACMG Guidelines, 2015. Collection method: clinical testing. Allele origin: germline.